The following is an entry in ClinVar:

NM_006231.4(POLE):c.6827G>T (p.Trp2276Leu)

Gene: POLE (DNA polymerase epsilon, catalytic subunit; minus strand). Cytogenetic location: 12q24.33.
Variant type: single nucleotide variant.
Coding change: c.6827G>T on transcript NM_006231.4 (MANE Select); coding-DNA position 6827, G replaced by T.
Protein change: p.Trp2276Leu; replaces tryptophan 2276 with leucine.
Molecular consequence: missense variant.
Genome position (GRCh38, 1-based): chr12:132,624,731, C>A on the plus strand (G>T on the coding strand, the complement: POLE is on the minus strand). VCF-style: chr12-132624731-C-A. GRCh37 (hg19) VCF-style: chr12-133201317-C-A.
Other names: short protein forms W2276L.
Identifiers: ClinVar variation 5027120 (VCV005027120.1).

ClinVar aggregate classification (germline): Uncertain significance (1 of 4 stars; one submission).

Conditions:
Hereditary cancer-predisposing syndrome. Also called: Neoplastic Syndromes, Hereditary; Tumor predisposition; Hereditary neoplastic syndrome; Hereditary Cancer Syndrome. Identifiers: Orphanet 140162, MedGen C0027672, MeSH D009386, MONDO:0015356.

Submission:

Ambry Genetics
Classification: Uncertain significance for Hereditary cancer-predisposing syndrome. Last evaluated: 2026-08-25. Review status: criteria provided, single submitter. Criteria: Ambry Variant Classification Scheme 2023. Collection method: clinical testing. Allele origin: germline.
Comment: The p.W2276L variant (also known as c.6827G>T), located in coding exon 49 of the POLE gene, results from a G to T substitution at nucleotide position 6827. The tryptophan at codon 2276 is replaced by leucine, an amino acid with similar properties. This amino acid position is highly conserved in available vertebrate species. In addition, the in silico prediction for this alteration is inconclusive. Based on the available evidence, the clinical significance of this variant remains unclear.